The following is an entry in ClinVar:

ClinVar aggregate classification (germline): Uncertain significance (1 of 4 stars; one submission).

Conditions:
Sulfite oxidase deficiency due to molybdenum cofactor deficiency type C. Also called: Molybdenum cofactor deficiency, complementation group C; Molybdenum cofactor deficiency C. Identifiers: Orphanet 308400, Orphanet 833, MedGen C1854990, MONDO:0014212, OMIM 615501.

Allele frequency attached by ClinVar (database versions not stated): ExAC 0.00001; gnomAD exomes 0.00001; TOPMed 0.00001; gnomAD 0.00002.
gnomAD v4.1: 10 of 1,603,768 alleles (0.00062%); highest among the groups gnomAD compares: Middle Eastern, 0.016%; no homozygotes.

Submission:

Labcorp Genetics (formerly Invitae), Labcorp
Classification: Uncertain significance for Sulfite oxidase deficiency due to molybdenum cofactor deficiency type C. Last evaluated: 2024-12-12. Review status: criteria provided, single submitter. Criteria: Invitae Variant Classification Sherloc (09022015). Collection method: clinical testing. Allele origin: germline.
Comment: This sequence change replaces proline, which is neutral and non-polar, with serine, which is neutral and polar, at codon 251 of the GPHN protein (p.Pro251Ser). This variant is present in population databases (rs751726828, gnomAD 0.0009%). This variant has not been reported in the literature in individuals affected with GPHN-related conditions. ClinVar contains an entry for this variant (Variation ID: 2074951). An algorithm developed to predict the effect of missense changes on protein structure and function (PolyPhen-2) suggests that this variant is likely to be tolerated. In summary, the available evidence is currently insufficient to determine the role of this variant in disease. Therefore, it has been classified as a Variant of Uncertain Significance.

NM_020806.5(GPHN):c.751C>T (p.Pro251Ser)

Gene: GPHN (gephyrin; plus strand). Cytogenetic location: 14q23.3.
Variant type: single nucleotide variant.
Coding change: c.751C>T on transcript NM_020806.5 (MANE Select); coding-DNA position 751, C replaced by T.
Protein change: p.Pro251Ser; replaces proline 251 with serine.
Molecular consequence: missense variant. On other transcripts: intron variant (7).
Genome position (GRCh38, 1-based): chr14:66,924,215, C>T. VCF-style: chr14-66924215-C-T. GRCh37 (hg19) VCF-style: chr14-67390932-C-T.
Other names: c.768+1277C>T (NM_001377514.1, NM_001377519.1); c.729+1277C>T (NM_001377515.1, NM_001377516.1, NM_001377518.1 and 2 more transcripts); short protein forms P251S.
Identifiers: ClinVar variation 2074951 (VCV002074951.4), dbSNP rs751726828, ClinGen allele CA7233824.